The following is an entry in ClinVar:

NM_001369.3(DNAH5):c.6574A>T (p.Lys2192Ter)

Gene: DNAH5 (dynein axonemal heavy chain 5; minus strand). Cytogenetic location: 5p15.2.
Variant type: single nucleotide variant.
Coding change: c.6574A>T on transcript NM_001369.3 (MANE Select); coding-DNA position 6574, A replaced by T.
Protein change: p.Lys2192Ter; replaces lysine 2192 with a stop codon.
Molecular consequence: nonsense.
Genome position (GRCh38, 1-based): chr5:13,824,204, T>A on the plus strand (A>T on the coding strand, the complement: DNAH5 is on the minus strand). VCF-style: chr5-13824204-T-A. GRCh37 (hg19) VCF-style: chr5-13824313-T-A.
Other names: short protein forms K2192*.
Identifiers: ClinVar variation 1724591 (VCV001724591.2), dbSNP rs2546857495, ClinGen allele CA359197067.

ClinVar aggregate classification (germline): Likely pathogenic (1 of 4 stars; one submission).

Conditions:
Primary ciliary dyskinesia 3. Identifiers: Orphanet 244, MedGen C1837618, MONDO:0012085, OMIM 608644.

Submission:

Myriad Genetics, Inc.
Classification: Likely pathogenic for Primary ciliary dyskinesia 3. Last evaluated: 2022-02-20. Review status: criteria provided, single submitter. Criteria: Myriad Women's Health Autosomal Recessive and X-Linked Classification Criteria (2021). Collection method: clinical testing. Allele origin: unknown.
Comment: NM_001369.2(DNAH5):c.6574A>T(K2192*) is expected to be pathogenic in the context of DNAH5-related primary ciliary dyskinesia. This variant is predicted to lead to an abnormal or absent protein product due to the creation of a premature termination codon in DNAH5, a gene where loss-of-function variants are known to be pathogenic. Please note: this variant was assessed in the context of healthy population screening.